The following is an entry in ClinVar:

ClinVar aggregate classification (germline): Pathogenic. Review status: reviewed by expert panel (3 of 4 stars). 4 submissions from 4 submitters: Pathogenic (1). 3 of the submissions do not count toward it. Last evaluated 2016-10-18.

Conditions:
Hereditary cancer-predisposing syndrome. Also called: Hereditary Cancer Syndrome; Neoplastic Syndromes, Hereditary; Hereditary neoplastic syndrome; Tumor predisposition. Identifiers: Orphanet 140162, MedGen C0027672, MeSH D009386, MONDO:0015356.
Hereditary breast ovarian cancer syndrome. Also called: Hereditary breast and ovarian cancer syndrome (HBOC); Breast and ovarian cancer; Hereditary breast and ovarian cancer syndrome; Hereditary breast and ovarian cancer; BRCA1- and BRCA2-Associated Hereditary Breast and Ovarian Cancer; Hereditary breast and/or ovarian cancer syndrome. Identifiers: Orphanet 145, MedGen C0677776, MeSH D061325, MONDO:0003582. Disease mechanism: loss of function.
Breast-ovarian cancer, familial, susceptibility to, 1 (BROVCA1). Also called: BRCA1 Hereditary Breast and Ovarian Cancer; OVARIAN CANCER, SUSCEPTIBILITY TO. Identifiers: Orphanet 145, MedGen C2676676, MONDO:0011450, OMIM 604370. Disease mechanism: loss of function.

Submissions (4):

Evidence-based Network for the Interpretation of Germline Mutant Alleles (ENIGMA)
Classification: Pathogenic for Breast-ovarian cancer, familial, susceptibility to, 1. Last evaluated: 2016-10-18. Review status: reviewed by expert panel. Criteria: ENIGMA BRCA1/2 Classification Criteria (2015). Collection method: curation. Allele origin: germline.
Comment: Variant allele predicted to encode a truncated non-functional protein.

Labcorp Genetics (formerly Invitae), Labcorp
Classification: Pathogenic for Hereditary breast ovarian cancer syndrome. Last evaluated: 2024-03-06. Review status: criteria provided, single submitter. Criteria: Invitae Variant Classification Sherloc (09022015). Collection method: clinical testing. Allele origin: germline. Not counted in ClinVar's aggregate classification.
Comment: This sequence change creates a premature translational stop signal (p.Leu1154*) in the BRCA1 gene. It is expected to result in an absent or disrupted protein product. Loss-of-function variants in BRCA1 are known to be pathogenic (PMID: 20104584). This variant is not present in population databases (gnomAD no frequency). This variant has not been reported in the literature in individuals affected with BRCA1-related conditions. ClinVar contains an entry for this variant (Variation ID: 266371). For these reasons, this variant has been classified as Pathogenic.

Ambry Genetics
Classification: Pathogenic for Hereditary cancer-predisposing syndrome. Last evaluated: 2019-10-23. Review status: criteria provided, single submitter. Criteria: Ambry Variant Classification Scheme 2023. Collection method: clinical testing. Allele origin: germline. Not counted in ClinVar's aggregate classification.
Comment: The p.L1154* variant (also known as c.3461T>G), located in coding exon 9 of the BRCA1 gene, results from a T to G substitution at nucleotide position 3461. This changes the amino acid from a leucine to a stop codon within coding exon 9. This alteration was identified in a large, worldwide study of BRCA1/2 mutation positive families (Rebbeck TR et al. Hum. Mutat., 2018 05;39:593-620). In addition to the clinical data presented in the literature, this alteration is expected to result in loss of function by premature protein truncation or nonsense-mediated mRNA decay. As such, this alteration is interpreted as a disease-causing mutation.

Consortium of Investigators of Modifiers of BRCA1/2 (CIMBA), c/o University of Cambridge
Classification: Pathogenic for Breast-ovarian cancer, familial, susceptibility to, 1. Last evaluated: 2015-10-02. Review status: criteria provided, single submitter. Criteria: CIMBA Mutation Classification guidelines May 2016. Collection method: clinical testing. Allele origin: germline. Not counted in ClinVar's aggregate classification.

Literature cited by the submitters: PubMed 20104584 (cited by Labcorp Genetics (formerly Invitae), Labcorp); PubMed 29446198 (cited by Ambry Genetics).

NM_007294.4(BRCA1):c.3461T>G (p.Leu1154Ter)

Genes: BRCA1 (BRCA1 DNA repair associated; minus strand), LOC126862571 (BRD4-independent group 4 enhancer GRCh37_chr17:41243136-41244335; plus strand). Cytogenetic location: 17q21.31.
Variant type: single nucleotide variant.
Coding change: c.3461T>G on transcript NM_007294.4 (MANE Select); coding-DNA position 3461, T replaced by G.
Protein change: p.Leu1154Ter; replaces leucine 1154 with a stop codon.
Molecular consequence: nonsense. On other transcripts: intron variant (135).
Genome position (GRCh38, 1-based): chr17:43,092,070, A>C on the plus strand (T>G on the coding strand, the complement: BRCA1 is on the minus strand). VCF-style: chr17-43092070-A-C. GRCh37 (hg19) VCF-style: chr17-41244087-A-C.
Other names: 3580T>G; c.3248T>G, p.Leu1083Ter (NM_001407571.1, NM_001407853.1, NM_001407894.1 and 9 more transcripts); c.3461T>G, p.Leu1154Ter (NM_001407581.1, NM_001407582.1, NM_001407583.1 and 30 more transcripts); c.3458T>G, p.Leu1153Ter (NM_001407610.1, NM_001407611.1, NM_001407612.1 and 22 more transcripts); c.3452T>G, p.Leu1151Ter (NM_001407646.1, NM_001407647.1); c.3338T>G, p.Leu1113Ter (NM_001407648.1, NM_001407664.1, NM_001407665.1 and 19 more transcripts); c.3335T>G, p.Leu1112Ter (NM_001407649.1, NM_001407670.1, NM_001407671.1 and 11 more transcripts); c.3383T>G, p.Leu1128Ter (NM_001407653.1, NM_001407654.1, NM_001407655.1 and 4 more transcripts); and 42 more; short protein forms L1154*, L1107*, L1065*, L1086*, L1127*, L1128*, L1151*, L1153*.
Identifiers: ClinVar variation 266371 (VCV000266371.10), dbSNP rs886040130, ClinGen allele CA10589752.